The following is an entry in ClinVar:

ClinVar aggregate classification (germline): Pathogenic. Review status: criteria provided, multiple submitters, no conflicts (2 of 4 stars). 4 submissions from 4 submitters: Pathogenic (3). 1 of the submissions does not count toward it. Last evaluated 2024-12-15.

Conditions:
Hereditary cancer-predisposing syndrome. Also called: Hereditary neoplastic syndrome; Tumor predisposition; Hereditary Cancer Syndrome; Neoplastic Syndromes, Hereditary. Identifiers: Orphanet 140162, MedGen C0027672, MeSH D009386, MONDO:0015356.
Familial adenomatous polyposis 1 (FAP1). Also called: FAMILIAL ADENOMATOUS POLYPOSIS 1, ATTENUATED; POLYPOSIS, ADENOMATOUS INTESTINAL. Identifiers: MedGen C2713442, MONDO:0021056, OMIM 175100. Disease mechanism: loss of function.

Allele frequency attached by ClinVar (database versions not stated): gnomAD exomes below 0.00001.
gnomAD v4.1: 2 of 1,612,054 alleles (0.00012%); highest among the groups gnomAD compares: South Asian, 0.0011%; no homozygotes.

Submissions (4):

Ambry Genetics
Classification: Pathogenic for Hereditary cancer-predisposing syndrome. Last evaluated: 2024-12-15. Review status: criteria provided, single submitter. Criteria: Ambry Variant Classification Scheme 2023. Collection method: clinical testing. Allele origin: germline.
Comment: The p.S245* pathogenic mutation (also known as c.734C>A), located in coding exon 7 of the APC gene, results from a C to A substitution at nucleotide position 734. This changes the amino acid from a serine to a stop codon within coding exon 7. This variant is considered to be rare based on population cohorts in the Genome Aggregation Database (gnomAD). This alteration is expected to result in loss of function by premature protein truncation or nonsense-mediated mRNA decay. As such, this alteration is interpreted as a disease-causing mutation.

Myriad Genetics, Inc.
Classification: Pathogenic for Familial adenomatous polyposis 1. Last evaluated: 2023-04-27. Review status: criteria provided, single submitter. Criteria: Myriad Autosomal Dominant, Autosomal Recessive and X-Linked Classification Criteria (2023). Collection method: clinical testing. Allele origin: unknown.
Comment: This variant is considered pathogenic. This variant creates a termination codon and is predicted to result in premature protein truncation.

Labcorp Genetics (formerly Invitae), Labcorp
Classification: Pathogenic for Familial adenomatous polyposis 1. Last evaluated: 2022-08-22. Review status: criteria provided, single submitter. Criteria: Invitae Variant Classification Sherloc (09022015). Collection method: clinical testing. Allele origin: germline.
Comment: For these reasons, this variant has been classified as Pathogenic. ClinVar contains an entry for this variant (Variation ID: 492654). This variant has not been reported in the literature in individuals affected with APC-related conditions. This variant is not present in population databases (gnomAD no frequency). This sequence change creates a premature translational stop signal (p.Ser245*) in the APC gene. It is expected to result in an absent or disrupted protein product. Loss-of-function variants in APC are known to be pathogenic (PMID: 17963004, 20685668).

Mayo Clinic Laboratories, Mayo Clinic
Classification: Pathogenic. Review status: no assertion criteria provided. Collection method: clinical testing. Allele origin: unknown. Not counted in ClinVar's aggregate classification.

Literature cited by the submitters: PubMed 17963004 (cited by Labcorp Genetics (formerly Invitae), Labcorp); PubMed 20685668 (cited by Labcorp Genetics (formerly Invitae), Labcorp).

NM_000038.6(APC):c.734C>A (p.Ser245Ter)

Gene: APC (APC regulator of Wnt signaling pathway; plus strand). Cytogenetic location: 5q22.2.
Variant type: single nucleotide variant.
Coding change: c.734C>A on transcript NM_000038.6 (MANE Select); coding-DNA position 734, C replaced by A.
Protein change: p.Ser245Ter; replaces serine 245 with a stop codon.
Molecular consequence: nonsense. On other transcripts: 5 prime UTR variant (1).
Genome position (GRCh38, 1-based): chr5:112,801,283, C>A. VCF-style: chr5-112801283-C-A. GRCh37 (hg19) VCF-style: chr5-112136980-C-A.
Other names: c.734C>A, p.Ser245Ter (NM_001127510.3, NM_001354895.2, NM_001354896.2 and 1 more transcripts); c.680C>A, p.Ser227Ter (NM_001127511.3); c.764C>A, p.Ser255Ter (NM_001354897.2, NM_001354902.2); c.659C>A, p.Ser220Ter (NM_001354898.2, NM_001354904.2); c.650C>A, p.Ser217Ter (NM_001354899.2); c.557C>A, p.Ser186Ter (NM_001354900.2, NM_001354901.2, NM_001354905.2); c.-302C>A (NM_001354906.2); short protein forms S227*, S245*, S255*, S186*, S217*, S220*.
Identifiers: ClinVar variation 492654 (VCV000492654.16), dbSNP rs1554076133, ClinGen allele CA16022936.
Genomic context (GRCh38, chr5:112,801,283, plus strand): 5'-GGCTAAGAAAGCCTACACCATTTTTGCATGTACTGATGTTAACTCCATCTTAACAGAGGT[C>A]ATCTCAGAACAAGCATGAAACCGGCTCACATGATGCTGAGCGGCAGAATGAAGGTCAAGG-3'